The following is an entry in ClinVar:

NM_144997.7(FLCN):c.761dup (p.His255fs)

Gene: FLCN (folliculin; minus strand). Cytogenetic location: 17p11.2.
Variant type: Duplication.
Coding change: c.761dup on transcript NM_144997.7 (MANE Select); coding-DNA position 761, one base duplicated (T; older notation c.761dupT).
Protein change: p.His255fs; shifts the reading frame from histidine 255.
Molecular consequence: frameshift variant.
Genome position (GRCh38, 1-based): chr17:17,222,519, A duplicated on the plus strand (T on the coding strand, the reverse complement: FLCN is on the minus strand). VCF-style (leftmost placement, unchanged base first): chr17-17222518-C-CA. GRCh37 (hg19) VCF-style: chr17-17125832-C-CA.
Other names: c.815dup, p.His273fs (NM_001353229.2); c.761dup, p.His255fs (NM_001353230.2, NM_001353231.2, NM_144606.7); short protein forms H255fs, H273fs.
Identifiers: ClinVar variation 4876036 (VCV004876036.1).

ClinVar aggregate classification (germline): Pathogenic (1 of 4 stars; one submission).

Conditions:
Birt-Hogg-Dube syndrome 1 (BHD1). Also called: FIBROFOLLICULOMAS WITH TRICHODISCOMAS AND ACROCHORDONS. Identifiers: Orphanet 122, MedGen CN375946, MONDO:0800445, OMIM 135150.

Submission:

Myriad Genetics, Inc.
Classification: Pathogenic for Birt-Hogg-Dube syndrome 1. Last evaluated: 2026-05-08. Review status: criteria provided, single submitter. Criteria: Myriad Autosomal Dominant, Autosomal Recessive and X-Linked Classification Criteria (2023). Collection method: clinical testing. Allele origin: unknown.
Comment: This variant is considered pathogenic. This variant creates a frameshift predicted to result in premature protein truncation.